The following is an entry in ClinVar:

NM_032119.4(ADGRV1):c.17108G>A (p.Arg5703His)

Gene: ADGRV1 (adhesion G protein-coupled receptor V1; plus strand). Cytogenetic location: 5q14.3.
Variant type: single nucleotide variant.
Coding change: c.17108G>A on transcript NM_032119.4 (MANE Select); coding-DNA position 17108, G replaced by A.
Protein change: p.Arg5703His; replaces arginine 5703 with histidine.
Molecular consequence: missense variant. On other transcripts: non-coding transcript variant (1).
Genome position (GRCh38, 1-based): chr5:90,848,725, G>A. VCF-style: chr5-90848725-G-A. GRCh37 (hg19) VCF-style: chr5-90144542-G-A.
Other names: short protein forms R5703H.
Identifiers: ClinVar variation 288997 (VCV000288997.38), dbSNP rs201073459, ClinGen allele CA3342294.
Genomic context (GRCh38, chr5:90,848,725, plus strand): 5'-TCAGTGTTGCCAGCCGAACTCTTTTCTATGAGATTCTTTGTTCTCTTATTAACCCAAAGC[G>A]CAAGGACACTAGGGGATTCAGTCACTTTGCTGAAGTGACTGAGAATTTTGCCTTTTCTCT-3'
Protein context (NP_115495.3, residues 5693-5713): EILCSLINPK[Arg5703His]KDTRGFSHFA

ClinVar aggregate classification (germline): Conflicting classifications of pathogenicity. Review status: criteria provided, conflicting classifications (1 of 4 stars). 11 submissions from 11 submitters: Pathogenic (1); Uncertain significance (9); Likely benign (1). Last evaluated 2026-08-06.

Conditions:
Usher syndrome type 2. Also called: Usher Syndrome Type II. Identifiers: Orphanet 231178, MedGen C0339534, MONDO:0016484.
ADGRV1-related disorder. Also called: ADGRV1-related condition; ADGRV1-related disorders.
Usher syndrome type 2C. Also called: Usher syndrome, type 2B; USHER SYNDROME, TYPE IIC. Identifiers: Orphanet 231178, Orphanet 886, MedGen C2931213, MONDO:0011558, OMIM 605472.

Allele frequency attached by ClinVar (database versions not stated): gnomAD 0.00003; gnomAD exomes 0.00013 and 0.00016; ExAC 0.00014; TOPMed 0.00016; ESP Exome Variant Server 0.00042.
gnomAD v4.1: 260 of 1,587,468 alleles (0.016%); highest among the groups gnomAD compares: Admixed American, 0.038%; no homozygotes.

Submissions (11):

PreventionGenetics, part of Exact Sciences
Classification: Uncertain significance for ADGRV1-related condition. Last evaluated: 2026-08-06. Review status: criteria provided, single submitter. Criteria: ACMG Guidelines, 2015. Collection method: clinical testing. Allele origin: germline.
Comment: The ADGRV1 c.17108G>A variant is predicted to result in the amino acid substitution p.Arg5703His. This variant has been reported along with a second ADGRV1 variant in an individual with hearing loss (Table S3, Sloan-Heggen et al. 2016. PubMed ID: 26969326). This variant is reported in 0.027% of alleles in individuals of Latino descent in gnomAD. At this time, the clinical significance of this variant is uncertain due to the absence of conclusive functional and genetic evidence.

Labcorp Genetics (formerly Invitae), Labcorp
Classification: Likely benign. Last evaluated: 2026-01-27. Review status: criteria provided, single submitter. Criteria: Invitae Variant Classification Sherloc (09022015). Collection method: clinical testing. Allele origin: germline.

Women's Health and Genetics/Laboratory Corporation of America, LabCorp
Classification: Uncertain significance. Last evaluated: 2025-11-05. Review status: criteria provided, single submitter. Criteria: LabCorp Variant Classification Summary - May 2015. Collection method: clinical testing. Allele origin: germline.
Comment: Variant summary: ADGRV1 c.17108G>A (p.Arg5703His) results in a non-conservative amino acid change in the encoded protein sequence. Algorithms developed to predict the effect of missense changes on protein structure and function are either unavailable or do not agree on the potential impact of this missense change. The variant allele was found at a frequency of 0.00013 in 224704 control chromosomes (gnomAD). This frequency is not significantly higher than estimated for disease-causing variants in ADGRV1, allowing no conclusion about variant significance. c.17108G>A has been observed in one individual affected with ADGRV1-Related Disorders (Sloan-Heggen_2016). The report does not provide unequivocal conclusions about association of the variant with ADGRV1-Related Disorders. To our knowledge, no experimental evidence demonstrating an impact on protein function has been reported. The following publications have been ascertained in the context of this evaluation (PMID: 26969326, 35813073). ClinVar contains an entry for this variant (Variation ID: 288997). Based on the evidence outlined above, the variant was classified as uncertain significance.

Blueprint Genetics
Classification: Uncertain significance. Last evaluated: 2024-11-20. Review status: criteria provided, single submitter. Criteria: ACMG Guidelines, 2015. Collection method: clinical testing. Allele origin: germline.

Athena Diagnostics
Classification: Uncertain significance. Last evaluated: 2024-11-15. Review status: criteria provided, single submitter. Criteria: Athena Diagnostics Criteria. Collection method: clinical testing. Allele origin: unknown.
Comment: Available data are insufficient to determine the clinical significance of the variant at this time. The frequency of this variant in the general population is uninformative in assessment of its pathogenicity. Polyphen and MutationTaster yielded discordant predictions regarding whether this amino acid change is damaging to the protein.

CeGaT Center for Human Genetics Tuebingen
Classification: Uncertain significance. Last evaluated: 2024-11-01. Review status: criteria provided, single submitter. Criteria: CeGaT Center For Human Genetics Tuebingen Variant Classification Criteria Version 2. Collection method: clinical testing. Allele origin: germline. Affected: yes. Observed: 1 variant allele.
Comment: ADGRV1: PM2:Supporting, BP4

Laboratory of Prof. Karen Avraham, Tel Aviv University
Classification: Pathogenic for Usher syndrome type 2C. Last evaluated: 2024-08-20. Review status: criteria provided, single submitter. Criteria: ACMG Guidelines, 2015. Collection method: research. Allele origin: germline. Affected: yes. Observed: 1 variant allele.
Comment: Pathogenic according to Deafness Variation Database based on PMID:26969326.

GeneDx
Classification: Uncertain significance. Last evaluated: 2024-07-03. Review status: criteria provided, single submitter. Criteria: GeneDx Variant Classification Process June 2021. Collection method: clinical testing. Allele origin: germline. Affected: yes.
Comment: Identified in the heterozygous state in an individual with hearing loss who was also heterozygous for the p.G2801R variant in the ADGRV1 [GPR98] gene in published literature; however, familial segregation and additional clinical information is not known (PMID: 26969326); In silico analysis supports that this missense variant has a deleterious effect on protein structure/function; This variant is associated with the following publications: (PMID: 26969326)

Department of Pathology and Laboratory Medicine, Sinai Health System
Classification: Uncertain significance for Usher syndrome type 2. Last evaluated: 2023-02-13. Review status: criteria provided, single submitter. Criteria: ACMG Guidelines, 2015. Collection method: research. Allele origin: germline.

Illumina Laboratory Services, Illumina
Classification: Uncertain significance for Usher syndrome type 2C. Last evaluated: 2018-01-12. Review status: criteria provided, single submitter. Criteria: ICSL Variant Classification Criteria 13 December 2019. Collection method: clinical testing. Allele origin: germline.

Eurofins Ntd Llc (ga)
Classification: Uncertain significance. Last evaluated: 2016-06-30. Review status: criteria provided, single submitter. Criteria: EGL Classification Definitions 2015. Collection method: clinical testing. Allele origin: germline. Observed: 1 variant allele, 1 heterozygote.

Literature cited by the submitters: PubMed 26969326 (cited by Women's Health and Genetics/Laboratory Corporation of America, LabCorp and Athena Diagnostics); PubMed 35813073 (cited by Women's Health and Genetics/Laboratory Corporation of America, LabCorp); PubMed 32355288 (cited by Athena Diagnostics).